The following is an entry in ClinVar:

ClinVar aggregate classification (germline): Uncertain significance (1 of 4 stars; one submission).

Conditions:
Charcot-Marie-Tooth disease type 4. Also called: Charcot-Marie-Tooth, Type 4; Charcot-Marie-Tooth disease, type IV. Identifiers: Orphanet 64749, MedGen C4082197, MONDO:0018995.

Submission:

Labcorp Genetics (formerly Invitae), Labcorp
Classification: Uncertain significance for Charcot-Marie-Tooth disease type 4. Last evaluated: 2020-04-16. Review status: criteria provided, single submitter. Criteria: Invitae Variant Classification Sherloc (09022015). Collection method: clinical testing. Allele origin: germline.
Comment: This sequence change falls in intron 3 of the FGD4 gene. It does not directly change the encoded amino acid sequence of the FGD4 protein, but it affects a nucleotide within the consensus splice site of the intron. This variant is not present in population databases (ExAC no frequency). This variant has not been reported in the literature in individuals with FGD4-related conditions. Nucleotide substitutions within the consensus splice site are a relatively common cause of aberrant splicing (PMID: 17576681, 9536098). Algorithms developed to predict the effect of sequence changes on RNA splicing suggest that this variant may disrupt the consensus splice site, but this prediction has not been confirmed by published transcriptional studies. In summary, the available evidence is currently insufficient to determine the role of this variant in disease. Therefore, it has been classified as a Variant of Uncertain Significance.

Literature cited by the submitters: PubMed 17576681; PubMed 9536098.

NM_001370298.3(FGD4):c.503+3A>C

Gene: FGD4 (FYVE, RhoGEF and PH domain containing 4; plus strand). Cytogenetic location: 12p11.21.
Variant type: single nucleotide variant.
Coding change: c.503+3A>C on transcript NM_001370298.3 (MANE Select); 3 bases into the intron after coding-DNA position 503, A replaced by C.
Molecular consequence: intron variant.
Genome position (GRCh38, 1-based): chr12:32,576,452, A>C. VCF-style: chr12-32576452-A-C. GRCh37 (hg19) VCF-style: chr12-32729386-A-C.
Other names: c.503+3A>C (NM_001384126.1); c.347+3A>C (NM_001304481.2); c.-187-5508A>C (NM_001330374.2, NM_001330373.2, NM_001384130.1); c.92+3A>C (NM_139241.3, NM_001384127.1, NM_001384131.1 and 3 more transcripts); c.-1060+3A>C (NM_001304484.2); c.48+12163A>C (NM_001370297.1); c.-753+3A>C (NM_001304483.2).
Identifiers: ClinVar variation 1059013 (VCV001059013.7), dbSNP rs2136376879, ClinGen allele CA2499221612.